The following is an entry in ClinVar:

NM_153704.6(TMEM67):c.2764+2T>A

Gene: TMEM67 (transmembrane protein 67; plus strand). Cytogenetic location: 8q22.1.
Variant type: single nucleotide variant.
Coding change: c.2764+2T>A on transcript NM_153704.6 (MANE Select); the canonical splice donor site of the intron after coding-DNA position 2764, T replaced by A.
Molecular consequence: splice donor variant.
Genome position (GRCh38, 1-based): chr8:93,809,889, T>A. VCF-style: chr8-93809889-T-A. GRCh37 (hg19) VCF-style: chr8-94822117-T-A.
Other names: c.2521+2T>A (NM_001142301.1).
Identifiers: ClinVar variation 1338632 (VCV001338632.4), dbSNP rs1293481687, ClinGen allele CA371699869.

ClinVar aggregate classification (germline): Likely pathogenic (1 of 4 stars; one submission).

Allele frequency attached by ClinVar (database versions not stated): gnomAD 0.00001; TOPMed below 0.00001.
gnomAD v4.1: 2 of 1,563,788 alleles (0.00013%); highest among the groups gnomAD compares: Non-Finnish European, 0.00018%; no homozygotes.

Submission:

Genetic Services Laboratory, University of Chicago
Classification: Likely pathogenic. Last evaluated: 2021-03-26. Review status: criteria provided, single submitter. Criteria: ACMG Guidelines, 2015. Collection method: clinical testing. Allele origin: germline. Affected: yes.
Comment: This sequence change affects the canonical splice donor site of intron 26, c.2764+2T>A. It is likely to affect mRNA splicing and result in an absent or truncated protein. This sequence change is absent from the gnomAD population database. This sequence change does not appear to have been previously described in patients with TMEM67-related disorders. Collectively, these evidences indicate that this sequence change is likely pathogenic, however functional studies have not been performed to prove this conclusively.